The following is an entry in ClinVar:

ClinVar aggregate classification (germline): Uncertain significance. Review status: criteria provided, multiple submitters, no conflicts (2 of 4 stars). 2 submissions from 2 submitters: Uncertain significance (2). Last evaluated 2022-12-23.

Allele frequency attached by ClinVar (database versions not stated): gnomAD exomes 0.00001; TOPMed 0.00002; gnomAD 0.00004; ExAC 0.00001.
gnomAD v4.1: 27 of 1,614,072 alleles (0.0017%); highest among the groups gnomAD compares: African/African-American, 0.0053%; no homozygotes.

Submissions (2):

GeneDx
Classification: Uncertain significance. Last evaluated: 2022-12-23. Review status: criteria provided, single submitter. Criteria: GeneDx Variant Classification Process June 2021. Collection method: clinical testing. Allele origin: germline. Affected: yes.
Comment: Not observed at significant frequency in large population cohorts (gnomAD); In silico analysis supports that this missense variant has a deleterious effect on protein structure/function; Has not been previously published as pathogenic or benign to our knowledge

Labcorp Genetics (formerly Invitae), Labcorp
Classification: Uncertain significance. Last evaluated: 2021-08-30. Review status: criteria provided, single submitter. Criteria: Invitae Variant Classification Sherloc (09022015). Collection method: clinical testing. Allele origin: germline.
Comment: This sequence change replaces arginine with glutamine at codon 262 of the WDR62 protein (p.Arg262Gln). The arginine residue is moderately conserved and there is a small physicochemical difference between arginine and glutamine. This variant is present in population databases (rs563462202, ExAC 0.002%). This variant has not been reported in the literature in individuals affected with WDR62-related conditions. Algorithms developed to predict the effect of missense changes on protein structure and function output the following: SIFT: "Tolerated"; PolyPhen-2: "Benign"; Align-GVGD: "Class C0". The glutamine amino acid residue is found in multiple mammalian species, which suggests that this missense change does not adversely affect protein function. Algorithms developed to predict the effect of sequence changes on RNA splicing suggest that this variant may create or strengthen a splice site. In summary, the available evidence is currently insufficient to determine the role of this variant in disease. Therefore, it has been classified as a Variant of Uncertain Significance.

NM_001083961.2(WDR62):c.785G>A (p.Arg262Gln)

Gene: WDR62 (WD repeat domain 62; plus strand). Cytogenetic location: 19q13.12.
Variant type: single nucleotide variant.
Coding change: c.785G>A on transcript NM_001083961.2 (MANE Select); coding-DNA position 785, G replaced by A.
Protein change: p.Arg262Gln; replaces arginine 262 with glutamine.
Molecular consequence: missense variant.
Genome position (GRCh38, 1-based): chr19:36,067,913, G>A. VCF-style: chr19-36067913-G-A. GRCh37 (hg19) VCF-style: chr19-36558815-G-A.
Other names: c.785G>A, p.Arg262Gln (NM_173636.5); short protein forms R262Q.
Identifiers: ClinVar variation 1383633 (VCV001383633.6), dbSNP rs563462202, ClinGen allele CA9395388.
Genomic context (GRCh38, chr19:36,067,913, plus strand): 5'-GGCGCTCGGGCATCCTGGGCGAGCTGCACAACAACATCTTCTGTGGTGTGGCCTGCGGTC[G>A]GGGCCGGATGGCGGGCAGTACCTTCTGTGTGTCCTACTCGGGCCTCCTCTGCCAGTTCAA-3'
Protein context (NP_001077430.1, residues 252-272): NNIFCGVACG[Arg262Gln]GRMAGSTFCV